The following is an entry in ClinVar:

NM_003482.4(KMT2D):c.1773T>C (p.Ser591=)

Gene: KMT2D (lysine methyltransferase 2D; minus strand). Cytogenetic location: 12q13.12.
Variant type: single nucleotide variant.
Coding change: c.1773T>C on transcript NM_003482.4 (MANE Select); coding-DNA position 1773, T replaced by C.
Protein change: p.Ser591=; no amino-acid change (serine 591 retained).
Molecular consequence: synonymous variant.
Genome position (GRCh38, 1-based): chr12:49,051,910, A>G on the plus strand (T>C on the coding strand, the complement: KMT2D is on the minus strand). VCF-style: chr12-49051910-A-G. GRCh37 (hg19) VCF-style: chr12-49445693-A-G.
Identifiers: ClinVar variation 2885699 (VCV002885699.11), dbSNP rs530098142, ClinGen allele CA6548421.

ClinVar aggregate classification (germline): Benign/Likely benign. Review status: criteria provided, multiple submitters, no conflicts (2 of 4 stars). 2 submissions from 2 submitters: Benign (1); Likely benign (1). Last evaluated 2025-10-29.

Conditions:
Kabuki syndrome. Also called: Kabuki make-up syndrome; NIIKAWA-KUROKI SYNDROME. Identifiers: Orphanet 2322, MedGen C0796004, MONDO:0016512.

Allele frequency attached by ClinVar (database versions not stated): ExAC 0.00001; gnomAD exomes 0.00001; gnomAD 0.00003.

Submissions (2):

Labcorp Genetics (formerly Invitae), Labcorp
Classification: Benign for Kabuki syndrome. Last evaluated: 2025-10-29. Review status: criteria provided, single submitter. Criteria: Invitae Variant Classification Sherloc (09022015). Collection method: clinical testing. Allele origin: germline.

CeGaT Center for Human Genetics Tuebingen
Classification: Likely benign. Last evaluated: 2025-06-01. Review status: criteria provided, single submitter. Criteria: CeGaT Center For Human Genetics Tuebingen Variant Classification Criteria Version 2. Collection method: clinical testing. Allele origin: germline. Affected: yes. Observed: 1 variant allele.
Comment: KMT2D: BP4, BP7